The following is an entry in ClinVar:

NM_006420.3(ARFGEF2):c.3055C>A (p.Arg1019Ser)

Gene: ARFGEF2 (ARF guanine nucleotide exchange factor 2; plus strand). Cytogenetic location: 20q13.13.
Variant type: single nucleotide variant.
Coding change: c.3055C>A on transcript NM_006420.3 (MANE Select); coding-DNA position 3055, C replaced by A.
Protein change: p.Arg1019Ser; replaces arginine 1019 with serine.
Molecular consequence: missense variant.
Genome position (GRCh38, 1-based): chr20:48,994,532, C>A. VCF-style: chr20-48994532-C-A. GRCh37 (hg19) VCF-style: chr20-47611069-C-A.
Other names: c.3052C>A, p.Arg1018Ser (NM_001410846.1); short protein forms R1018S, R1019S.
Identifiers: ClinVar variation 3571844 (VCV003571844.1).

ClinVar aggregate classification (germline): Uncertain significance (1 of 4 stars; one submission).

gnomAD v4.1: 3 of 1,613,996 alleles (0.00019%); highest among the groups gnomAD compares: Admixed American, 0.0033%; no homozygotes.

Submission:

Athena Diagnostics
Classification: Uncertain significance. Last evaluated: 2024-08-08. Review status: criteria provided, single submitter. Criteria: Athena Diagnostics Criteria. Collection method: clinical testing. Allele origin: unknown.
Comment: Available data are insufficient to determine the clinical significance of the variant at this time. The frequency of this variant in the general population is uninformative in assessment of its pathogenicity. Polyphen and MutationTaster yielded discordant predictions regarding whether this amino acid change is damaging to the protein.